The following is an entry in ClinVar:

ClinVar aggregate classification (germline): Likely benign. Review status: criteria provided, multiple submitters, no conflicts (2 of 4 stars). 3 submissions from 3 submitters: Likely benign (2). 1 of the submissions does not count toward it. Last evaluated 2024-10-28.

Conditions:
RGS9-related disorder. Also called: RGS9-related condition.

Allele frequency attached by ClinVar (database versions not stated): gnomAD 0.00002 and 0.00003; TOPMed 0.00003; 1000 Genomes Project 30x 0.00016.
gnomAD v4.1: 54 of 1,608,868 alleles (0.0034%); highest among the groups gnomAD compares: South Asian, 0.02%; no homozygotes.

Submissions (3):

Labcorp Genetics (formerly Invitae), Labcorp
Classification: Likely benign. Last evaluated: 2024-10-28. Review status: criteria provided, single submitter. Criteria: Invitae Variant Classification Sherloc (09022015). Collection method: clinical testing. Allele origin: germline.

Blueprint Genetics
Classification: Likely benign. Last evaluated: 2024-06-10. Review status: criteria provided, single submitter. Criteria: ACMG Guidelines, 2015. Collection method: clinical testing. Allele origin: germline.

PreventionGenetics, part of Exact Sciences
Classification: Likely benign for RGS9-related condition. Last evaluated: 2019-06-18. Review status: no assertion criteria provided. Collection method: clinical testing. Allele origin: germline. Not counted in ClinVar's aggregate classification.
Comment: This variant is classified as likely benign based on ACMG/AMP sequence variant interpretation guidelines (Richards et al. 2015 PMID: 25741868, with internal and published modifications).

NM_003835.4(RGS9):c.1683C>T (p.Leu561=)

Gene: RGS9 (regulator of G protein signaling 9; plus strand). Cytogenetic location: 17q24.1.
Variant type: single nucleotide variant.
Coding change: c.1683C>T on transcript NM_003835.4 (MANE Select); coding-DNA position 1683, C replaced by T.
Protein change: p.Leu561=; no amino-acid change (leucine 561 retained).
Molecular consequence: synonymous variant.
Genome position (GRCh38, 1-based): chr17:65,225,277, C>T. VCF-style: chr17-65225277-C-T. GRCh37 (hg19) VCF-style: chr17-63221395-C-T.
Other names: c.1683C>T (NM_003835.3); c.1674C>T, p.Leu558= (NM_001081955.3).
Identifiers: ClinVar variation 1564405 (VCV001564405.11), dbSNP rs755416869, ClinGen allele CA8718118.